The following is an entry in ClinVar:

NM_000186.4(CFH):c.1861C>A (p.Pro621Thr)

Gene: CFH (complement factor H; plus strand). Cytogenetic location: 1q31.3.
Variant type: single nucleotide variant.
Coding change: c.1861C>A on transcript NM_000186.4 (MANE Select); coding-DNA position 1861, C replaced by A.
Protein change: p.Pro621Thr; replaces proline 621 with threonine.
Molecular consequence: missense variant.
Genome position (GRCh38, 1-based): chr1:196,725,285, C>A. VCF-style: chr1-196725285-C-A. GRCh37 (hg19) VCF-style: chr1-196694415-C-A.
Other names: short protein forms P621T.
Identifiers: ClinVar variation 4291430 (VCV004291430.1).

ClinVar aggregate classification (germline): Uncertain significance (1 of 4 stars; one submission).

Conditions:
Atypical hemolytic-uremic syndrome. Identifiers: Orphanet 2134, MedGen C2931788, MONDO:0016244.

Submission:

Genomenon, Inc
Classification: Uncertain significance for Atypical hemolytic-uremic syndrome. Last evaluated: 2025-10-02. Review status: criteria provided, single submitter. Criteria: Genomenon Sequence Variant Interpretation Standards - Updated. Collection method: curation. Allele origin: germline. Affected: yes.
Comment: CFH p.Pro621Thr (c.1861C>A) is a missense variant that changes the amino acid at residue 621 from Proline to Threonine. This variant has been observed in at least one proband affected with atypical hemolytic uremic syndrome (PMID:37744338;16528247). It is absent or not present at a significant frequency in gnomAD. In conclusion, we classify CFH p.Pro621Thr (c.1861C>A) as a variant of uncertain significance.

Literature cited by the submitters: PubMed 37744338; PubMed 16528247.